The following is an entry in ClinVar:

ClinVar aggregate classification (germline): Uncertain significance (1 of 4 stars; one submission).

Submission:

Labcorp Genetics (formerly Invitae), Labcorp
Classification: Uncertain significance. Last evaluated: 2022-09-17. Review status: criteria provided, single submitter. Criteria: Invitae Variant Classification Sherloc (09022015). Collection method: clinical testing. Allele origin: germline.
Comment: This variant has not been reported in the literature in individuals affected with ASXL2-related conditions. Advanced modeling of protein sequence and biophysical properties (such as structural, functional, and spatial information, amino acid conservation, physicochemical variation, residue mobility, and thermodynamic stability) performed at Invitae indicates that this missense variant is not expected to disrupt ASXL2 protein function. In summary, the available evidence is currently insufficient to determine the role of this variant in disease. Therefore, it has been classified as a Variant of Uncertain Significance. This variant is not present in population databases (gnomAD no frequency). This sequence change replaces asparagine, which is neutral and polar, with serine, which is neutral and polar, at codon 513 of the ASXL2 protein (p.Asn513Ser).

NM_018263.6(ASXL2):c.1538A>G (p.Asn513Ser)

Gene: ASXL2 (ASXL transcriptional regulator 2; minus strand). Cytogenetic location: 2p23.3.
Variant type: single nucleotide variant.
Coding change: c.1538A>G on transcript NM_018263.6 (MANE Select); coding-DNA position 1538, A replaced by G.
Protein change: p.Asn513Ser; replaces asparagine 513 with serine.
Molecular consequence: missense variant.
Genome position (GRCh38, 1-based): chr2:25,750,018, T>C on the plus strand (A>G on the coding strand, the complement: ASXL2 is on the minus strand). VCF-style: chr2-25750018-T-C. GRCh37 (hg19) VCF-style: chr2-25972887-T-C.
Other names: c.1364A>G, p.Asn455Ser (NM_001369346.1); c.758A>G, p.Asn253Ser (NM_001369347.1); short protein forms N253S, N455S, N513S.
Identifiers: ClinVar variation 1719647 (VCV001719647.5), dbSNP rs2465314580, ClinGen allele CA346075533.
Genomic context (GRCh38, chr2:25,750,018, plus strand): 5'-ACCCCAGGACTCTTGGGTTTGCTTGGCGATGTAACTAAAGATTCTTGGCTTTCACTTTTG[T>C]TATAATTAGAAGCTGTGGTGAGATGGTTCTTCTCAGATTCCTGTTCAGCAGAGGTGACTG-3'
Protein context (NP_060733.4, residues 503-523): KNHLTTASNY[Asn513Ser]KSESQESLVT